The following is an entry in ClinVar:

NM_006904.7(PRKDC):c.9462A>G (p.Gln3154=)

Gene: PRKDC (protein kinase, DNA-activated, catalytic subunit; minus strand). Cytogenetic location: 8q11.21.
Variant type: single nucleotide variant.
Coding change: c.9462A>G on transcript NM_006904.7 (MANE Select); coding-DNA position 9462, A replaced by G.
Protein change: p.Gln3154=; no amino-acid change (glutamine 3154 retained).
Molecular consequence: synonymous variant.
Genome position (GRCh38, 1-based): chr8:47,817,545, T>C on the plus strand (A>G on the coding strand, the complement: PRKDC is on the minus strand). VCF-style: chr8-47817545-T-C. GRCh37 (hg19) VCF-style: chr8-48730106-T-C.
Other names: c.9462A>G, p.Gln3154= (NM_001081640.2).
Identifiers: ClinVar variation 657162 (VCV000657162.7), dbSNP rs772348033, ClinGen allele CA4739563.
Genomic context (GRCh38, chr8:47,817,545, plus strand): 5'-GTCCATTTTAGCATCTGGATATCTGTTTGTCCAGGTGTTCAGAAGTCTCTTAAGGGGAAC[T>C]TGAGATGATAAATTGCCTAAAAATAGTATTAGAGGGTGACTATACACACAGCTCAATTAT-3'
Protein context (NP_008835.5, residues 3144-3164): FISKQGNLSS[Gln3154=]VPLKRLLNTW

ClinVar aggregate classification (germline): Uncertain significance (1 of 4 stars; one submission).

Conditions:
Severe combined immunodeficiency due to DNA-PKcs deficiency. Also called: IMMUNODEFICIENCY 26 WITH NEUROLOGIC ABNORMALITIES; Immunodeficiency 26 with or without neurologic abnormalities. Identifiers: Orphanet 317425, MedGen C4014833, MONDO:0014423, OMIM 615966.

Allele frequency attached by ClinVar (database versions not stated): gnomAD exomes 0.00003 and 0.00009; TOPMed 0.00004; ExAC 0.00005; gnomAD 0.00005 and 0.00006.
gnomAD v4.1: 137 of 1,599,910 alleles (0.0086%); highest among the groups gnomAD compares: Middle Eastern, 0.016%; no homozygotes.

Submissions (2):

Labcorp Genetics (formerly Invitae), Labcorp
Classification: Uncertain significance for Severe combined immunodeficiency due to DNA-PKcs deficiency. Last evaluated: 2024-10-16. Review status: criteria provided, single submitter. Criteria: Invitae Variant Classification Sherloc (09022015). Collection method: clinical testing. Allele origin: germline.
Comment: This sequence change affects codon 3154 of the PRKDC mRNA. It is a 'silent' change, meaning that it does not change the encoded amino acid sequence of the PRKDC protein. This variant is present in population databases (rs772348033, gnomAD 0.009%). This variant has not been reported in the literature in individuals affected with PRKDC-related conditions. ClinVar contains an entry for this variant (Variation ID: 657162). Algorithms developed to predict the effect of sequence changes on RNA splicing suggest that this variant may disrupt the consensus splice site. In summary, the available evidence is currently insufficient to determine the role of this variant in disease. Therefore, it has been classified as a Variant of Uncertain Significance.

Dr. Peter K. Rogan Lab, Western University
No classification provided (evidence only). Condition: Cervical cancer. Review status: no classification provided. Collection method: in vitro. Allele origin: not applicable. Functional consequence: retained intron. Not counted in ClinVar's aggregate classification.